The following is an entry in ClinVar:

NM_001277115.2(DNAH11):c.775G>C (p.Glu259Gln)

Gene: DNAH11 (dynein axonemal heavy chain 11; plus strand). Cytogenetic location: 7p15.3.
Variant type: single nucleotide variant.
Coding change: c.775G>C on transcript NM_001277115.2 (MANE Select); coding-DNA position 775, G replaced by C.
Protein change: p.Glu259Gln; replaces glutamic acid 259 with glutamine.
Molecular consequence: missense variant.
Genome position (GRCh38, 1-based): chr7:21,559,685, G>C. VCF-style: chr7-21559685-G-C. GRCh37 (hg19) VCF-style: chr7-21599303-G-C.
Other names: short protein forms E259Q.
Identifiers: ClinVar variation 5000165 (VCV005000165.1).

ClinVar aggregate classification (germline): Uncertain significance (1 of 4 stars; one submission).

Conditions:
DNAH11-related disorder. Also called: DNAH11-related condition.

Submission:

PreventionGenetics, part of Exact Sciences
Classification: Uncertain significance for DNAH11-related condition. Last evaluated: 2025-01-20. Review status: criteria provided, single submitter. Criteria: ACMG Guidelines, 2015. Collection method: clinical testing. Allele origin: germline.
Comment: The DNAH11 c.775G>C variant is predicted to result in the amino acid substitution p.Glu259Gln. To our knowledge, this variant has not been reported in the literature or in a large population database (gnomAD), indicating this variant is rare. At this time, the clinical significance of this variant is uncertain due to the absence of conclusive functional and genetic evidence.